The following is an entry in ClinVar:

NM_213599.3(ANO5):c.1553G>A (p.Gly518Glu)

Gene: ANO5 (anoctamin 5; plus strand). Cytogenetic location: 11p14.3.
Variant type: single nucleotide variant.
Coding change: c.1553G>A on transcript NM_213599.3 (MANE Select); coding-DNA position 1553, G replaced by A.
Protein change: p.Gly518Glu; replaces glycine 518 with glutamic acid.
Molecular consequence: missense variant.
Genome position (GRCh38, 1-based): chr11:22,259,664, G>A. VCF-style: chr11-22259664-G-A. GRCh37 (hg19) VCF-style: chr11-22281210-G-A.
Other names: c.1550G>A, p.Gly517Glu (NM_001142649.2); c.1511G>A, p.Gly504Glu (NM_001410963.1); c.1508G>A, p.Gly503Glu (NM_001410964.1); short protein forms G503E, G504E, G517E, G518E.
Identifiers: ClinVar variation 2925467 (VCV002925467.4), dbSNP rs201463445, ClinGen allele CA379922278.
Genomic context (GRCh38, chr11:22,259,664, plus strand): 5'-ATGCATCCTTAAAGCAGGTCAAAAGCTTCCTTACTCCTCAGATAACCACATCACTCACAG[G>A]ATCATGCTTGAACTTTATTGTCATCTTGATCTTGAATTTCTTTTATGAAAAGATATCTGC-3'
Protein context (NP_998764.1, residues 508-528): LTPQITTSLT[Gly518Glu]SCLNFIVILI

ClinVar aggregate classification (germline): Pathogenic/Likely pathogenic. Review status: criteria provided, multiple submitters, no conflicts (2 of 4 stars). 2 submissions from 2 submitters: Pathogenic (1); Likely pathogenic (1). Last evaluated 2026-04-07.

Conditions:
Autosomal recessive limb-girdle muscular dystrophy type 2L (LGMDR12). Also called: Limb-Girdle Muscular Dystrophy R12 Anoctamin-5-Related (LGMD-R12); MUSCULAR DYSTROPHY, LIMB-GIRDLE, AUTOSOMAL RECESSIVE 12; Limb-girdle muscular dystrophy, type 2L. Identifiers: Orphanet 206549, MedGen C1969785, MONDO:0012652, OMIM 611307.
Gnathodiaphyseal dysplasia (GDD). Also called: GNATHODIAPHYSEAL SCLEROSIS; OSTEOGENESIS IMPERFECTA WITH UNUSUAL SKELETAL LESIONS. Identifiers: Orphanet 53697, MedGen C1833736, MONDO:0008151, OMIM 166260.

Submissions (2):

Clinical Genetics and Genomics, Karolinska University Hospital
Classification: Pathogenic for Gnathodiaphyseal dysplasia. Last evaluated: 2026-04-07. Review status: criteria provided, single submitter. Criteria: ACMG Guidelines, 2015. Collection method: clinical testing. Allele origin: de novo. Affected: yes.
Comment: The variant is absent or in very low frequency in gnomAD (PM2). This missense change has been observed in individual(s) with gnathodiaphyseal dysplasia (PMID: 28176803, Variation ID: 2925467).

Labcorp Genetics (formerly Invitae), Labcorp
Classification: Likely pathogenic for Autosomal recessive limb-girdle muscular dystrophy type 2L; Gnathodiaphyseal dysplasia. Last evaluated: 2023-02-16. Review status: criteria provided, single submitter. Criteria: Invitae Variant Classification Sherloc (09022015). Collection method: clinical testing. Allele origin: germline.
Comment: In summary, the currently available evidence indicates that the variant is pathogenic, but additional data are needed to prove that conclusively. Therefore, this variant has been classified as Likely Pathogenic. Advanced modeling of protein sequence and biophysical properties (such as structural, functional, and spatial information, amino acid conservation, physicochemical variation, residue mobility, and thermodynamic stability) performed at Invitae indicates that this missense variant is expected to disrupt ANO5 protein function. This missense change has been observed in individual(s) with gnathodiaphyseal dysplasia (PMID: 28176803). In at least one individual the variant was observed to be de novo. This variant is not present in population databases (gnomAD no frequency). This sequence change replaces glycine, which is neutral and non-polar, with glutamic acid, which is acidic and polar, at codon 518 of the ANO5 protein (p.Gly518Glu).

Literature cited by the submitters: PubMed 28176803 (cited by Labcorp Genetics (formerly Invitae), Labcorp).